The following is an entry in ClinVar:

ClinVar aggregate classification (germline): Uncertain significance. Review status: criteria provided, multiple submitters, no conflicts (2 of 4 stars). 5 submissions from 5 submitters: Uncertain significance (3). 2 of the submissions do not count toward it. Last evaluated 2025-05-12.

Conditions:
Tay-Sachs disease (TSD). Also called: HEXA Disorders; GM2 gangliosidosis, type 1; Hexosaminidase alpha-subunit deficiency (variant B); Sphingolipidosis, Tay-Sachs; HEXA DEFICIENCY; Hexosaminidase A Deficiency. Identifiers: Orphanet 845, MedGen C0039373, MONDO:0010100, OMIM 272800.
HEXA-related disorder. Also called: HEXA-related condition.

Allele frequency attached by ClinVar (database versions not stated): 1000 Genomes Project 30x 0.00016; 1000 Genomes Project 0.00020.
gnomAD v4.1: 54 of 1,614,132 alleles (0.0033%); highest among the groups gnomAD compares: East Asian, 0.0089%; no homozygotes.

Submissions (5):

PreventionGenetics, part of Exact Sciences
Classification: Uncertain significance for HEXA-related condition. Last evaluated: 2025-05-12. Review status: criteria provided, single submitter. Criteria: ACMG Guidelines, 2015. Collection method: clinical testing. Allele origin: germline.
Comment: The HEXA c.1087G>A variant is predicted to result in the amino acid substitution p.Val363Ile. To our knowledge, this variant has not been reported in the literature. This variant is reported in 0.016% of alleles in individuals of East Asian descent in gnomAD. At this time, the clinical significance of this variant is uncertain due to the absence of conclusive functional and genetic evidence.

Labcorp Genetics (formerly Invitae), Labcorp
Classification: Uncertain significance for Tay-Sachs disease. Last evaluated: 2022-09-13. Review status: criteria provided, single submitter. Criteria: Invitae Variant Classification Sherloc (09022015). Collection method: clinical testing. Allele origin: germline.
Comment: This sequence change replaces valine, which is neutral and non-polar, with isoleucine, which is neutral and non-polar, at codon 363 of the HEXA protein (p.Val363Ile). This variant is present in population databases (rs557550173, gnomAD 0.02%). This variant has not been reported in the literature in individuals affected with HEXA-related conditions. ClinVar contains an entry for this variant (Variation ID: 555024). Algorithms developed to predict the effect of missense changes on protein structure and function output the following: SIFT: "Deleterious"; PolyPhen-2: "Benign"; Align-GVGD: "Class C0". The isoleucine amino acid residue is found in multiple mammalian species, which suggests that this missense change does not adversely affect protein function. In summary, the available evidence is currently insufficient to determine the role of this variant in disease. Therefore, it has been classified as a Variant of Uncertain Significance.

Fulgent Genetics
Classification: Uncertain significance for Tay-Sachs disease. Last evaluated: 2022-05-16. Review status: criteria provided, single submitter. Criteria: ACMG Guidelines, 2015. Collection method: clinical testing. Allele origin: unknown.

Natera, Inc.
Classification: Uncertain significance for Tay-Sachs disease. Last evaluated: 2019-02-26. Review status: no assertion criteria provided. Collection method: clinical testing. Allele origin: germline. Not counted in ClinVar's aggregate classification.

Counsyl
Classification: Uncertain significance for Tay-Sachs disease. Last evaluated: 2017-11-16. Review status: no assertion criteria provided. Collection method: clinical testing. Allele origin: unknown. Not counted in ClinVar's aggregate classification.

NM_000520.6(HEXA):c.1087G>A (p.Val363Ile)

Gene: HEXA (hexosaminidase subunit alpha; minus strand). Cytogenetic location: 15q23.
Variant type: single nucleotide variant.
Coding change: c.1087G>A on transcript NM_000520.6 (MANE Select); coding-DNA position 1087, G replaced by A.
Protein change: p.Val363Ile; replaces valine 363 with isoleucine.
Molecular consequence: missense variant.
Genome position (GRCh38, 1-based): chr15:72,347,745, C>T on the plus strand (G>A on the coding strand, the complement: HEXA is on the minus strand). VCF-style: chr15-72347745-C-T. GRCh37 (hg19) VCF-style: chr15-72640086-C-T.
Other names: c.1120G>A, p.Val374Ile (NM_001318825.2); c.1087G>A (NM_000520.5); short protein forms V363I, V374I.
Identifiers: ClinVar variation 555024 (VCV000555024.12), dbSNP rs557550173, ClinGen allele CA7644809.